The following is an entry in ClinVar:

NM_148897.3(SDR9C7):c.563G>A (p.Arg188His)

Gene: SDR9C7 (short chain dehydrogenase/reductase family 9C member 7; minus strand). Cytogenetic location: 12q13.3.
Variant type: single nucleotide variant.
Coding change: c.563G>A on transcript NM_148897.3 (MANE Select); coding-DNA position 563, G replaced by A.
Protein change: p.Arg188His; replaces arginine 188 with histidine.
Molecular consequence: missense variant.
Genome position (GRCh38, 1-based): chr12:56,929,551, C>T on the plus strand (G>A on the coding strand, the complement: SDR9C7 is on the minus strand). VCF-style: chr12-56929551-C-T. GRCh37 (hg19) VCF-style: chr12-57323335-C-T.
Other names: short protein forms R188H.
Identifiers: ClinVar variation 3630864 (VCV003630864.1).

ClinVar aggregate classification (germline): Uncertain significance (1 of 4 stars; one submission).

Submission:

Labcorp Genetics (formerly Invitae), Labcorp
Classification: Uncertain significance. Last evaluated: 2024-07-10. Review status: criteria provided, single submitter. Criteria: Invitae Variant Classification Sherloc (09022015). Collection method: clinical testing. Allele origin: germline.
Comment: This sequence change replaces arginine, which is basic and polar, with histidine, which is basic and polar, at codon 188 of the SDR9C7 protein (p.Arg188His). This variant is present in population databases (rs141626978, gnomAD 0.03%). This missense change has been observed in individual(s) with ichthyosis (PMID: 31633189). An algorithm developed to predict the effect of missense changes on protein structure and function (PolyPhen-2) suggests that this variant¬†is likely to be tolerated. This variant disrupts the p.Arg188 amino acid residue in SDR9C7. Other variant(s) that disrupt this residue have been observed in individuals with SDR9C7-related conditions (PMID: 28906551), which suggests that this may be a clinically significant amino acid residue. In summary, the available evidence is currently insufficient to determine the role of this variant in disease. Therefore, it has been classified as a Variant of Uncertain Significance.

Literature cited by the submitters: PubMed 31633189; PubMed 28906551.